The following is an entry in ClinVar:

ClinVar aggregate classification (germline): Uncertain significance (1 of 4 stars; one submission).

Conditions:
Retinoblastoma (RB1). Also called: RETINOBLASTOMA, SOMATIC. Identifiers: Orphanet 790, MedGen C0035335, MeSH D012175, MONDO:0008380, OMIM 180200, HP:0009919. Disease mechanism: loss of function. Inheritance: Both sporadic and heritable forms are tested..

Submission:

Labcorp Genetics (formerly Invitae), Labcorp
Classification: Uncertain significance for Retinoblastoma. Last evaluated: 2024-04-01. Review status: criteria provided, single submitter. Criteria: Invitae Variant Classification Sherloc (09022015). Collection method: clinical testing. Allele origin: germline.
Comment: This sequence change replaces cysteine, which is neutral and slightly polar, with tryptophan, which is neutral and slightly polar, at codon 553 of the RB1 protein (p.Cys553Trp). This variant is not present in population databases (gnomAD no frequency). This variant has not been reported in the literature in individuals affected with RB1-related conditions. Advanced modeling of protein sequence and biophysical properties (such as structural, functional, and spatial information, amino acid conservation, physicochemical variation, residue mobility, and thermodynamic stability) performed at Invitae indicates that this missense variant is expected to disrupt RB1 protein function with a positive predictive value of 80%. In summary, the available evidence is currently insufficient to determine the role of this variant in disease. Therefore, it has been classified as a Variant of Uncertain Significance.

NM_000321.3(RB1):c.1659T>G (p.Cys553Trp)

Gene: RB1 (RB transcriptional corepressor 1; plus strand). Cytogenetic location: 13q14.2.
Variant type: single nucleotide variant.
Coding change: c.1659T>G on transcript NM_000321.3 (MANE Select); coding-DNA position 1659, T replaced by G.
Protein change: p.Cys553Trp; replaces cysteine 553 with tryptophan.
Molecular consequence: missense variant.
Genome position (GRCh38, 1-based): chr13:48,381,407, T>G. VCF-style: chr13-48381407-T-G. GRCh37 (hg19) VCF-style: chr13-48955543-T-G.
Other names: c.1659T>G, p.Cys553Trp (NM_001407165.1, NM_001407166.1); short protein forms C553W.
Identifiers: ClinVar variation 3648286 (VCV003648286.2).